The following is an entry in ClinVar:

ClinVar aggregate classification (germline): Uncertain significance (1 of 4 stars; one submission).

Submission:

GeneDx
Classification: Uncertain significance. Last evaluated: 2025-03-06. Review status: criteria provided, single submitter. Criteria: GeneDx Variant Classification Process June 2021. Collection method: clinical testing. Allele origin: germline.
Comment: Not observed at significant frequency in large population cohorts (gnomAD); In silico analysis indicates that this missense variant does not alter protein structure/function; Has not been previously published as pathogenic or benign to our knowledge

NM_001330360.2(POLA1):c.2211G>A (p.Met737Ile)

Gene: POLA1 (DNA polymerase alpha 1, catalytic subunit; plus strand). Cytogenetic location: Xp22.11.
Variant type: single nucleotide variant.
Coding change: c.2211G>A on transcript NM_001330360.2 (MANE Select); coding-DNA position 2211, G replaced by A.
Protein change: p.Met737Ile; replaces methionine 737 with isoleucine.
Molecular consequence: missense variant.
Genome position (GRCh38, 1-based): chrX:24,739,545, G>A. VCF-style: chrX-24739545-G-A. GRCh37 (hg19) VCF-style: chrX-24757662-G-A.
Other names: c.2136G>A, p.Met712Ile (NM_001378303.1); c.2193G>A, p.Met731Ile (NM_016937.4); short protein forms M712I, M731I, M737I.
Identifiers: ClinVar variation 2505008 (VCV002505008.2), dbSNP rs1931507022, ClinGen allele CA412535836.